The following is an entry in ClinVar:

ClinVar aggregate classification (germline): Pathogenic (1 of 4 stars; one submission).

Submission:

GeneDx
Classification: Pathogenic. Last evaluated: 2019-12-16. Review status: criteria provided, single submitter. Criteria: GeneDx Variant Classification Process June 2021. Collection method: clinical testing. Allele origin: germline. Affected: yes.
Comment: Canonical splice site variant in a gene for which loss-of-function is a known mechanism of disease; Not observed in large population cohorts (Lek et al., 2016); Has not been previously published as pathogenic or benign to our knowledge; This variant is associated with the following publications: (PMID: 32552793)

NM_203447.4(DOCK8):c.4153+1G>A

Gene: DOCK8 (dedicator of cytokinesis 8; plus strand). Cytogenetic location: 9p24.3.
Variant type: single nucleotide variant.
Coding change: c.4153+1G>A on transcript NM_203447.4 (MANE Select); the canonical splice donor site of the intron after coding-DNA position 4153, G replaced by A.
Molecular consequence: splice donor variant.
Genome position (GRCh38, 1-based): chr9:421,079, G>A. VCF-style: chr9-421079-G-A. GRCh37 (hg19) VCF-style: chr9-421079-G-A.
Other names: c.3949+1G>A (NM_001193536.2); c.3853+1G>A (NM_001190458.2).
Identifiers: ClinVar variation 1197276 (VCV001197276.2), dbSNP rs775396042, ClinGen allele CA372764544.